The following is an entry in ClinVar:

NM_001999.4(FBN2):c.7477G>A (p.Asp2493Asn)

Gene: FBN2 (fibrillin 2; minus strand). Cytogenetic location: 5q23.3.
Variant type: single nucleotide variant.
Coding change: c.7477G>A on transcript NM_001999.4 (MANE Select); coding-DNA position 7477, G replaced by A.
Protein change: p.Asp2493Asn; replaces aspartic acid 2493 with asparagine.
Molecular consequence: missense variant.
Genome position (GRCh38, 1-based): chr5:128,276,155, C>T on the plus strand (G>A on the coding strand, the complement: FBN2 is on the minus strand). VCF-style: chr5-128276155-C-T. GRCh37 (hg19) VCF-style: chr5-127611847-C-T.
Other names: short protein forms D2493N.
Identifiers: ClinVar variation 429671 (VCV000429671.20), dbSNP rs779483120, ClinGen allele CA3394103.
Genomic context (GRCh38, chr5:128,276,155, plus strand): 5'-AACTCCCCTCAGTGTTCTTGCAGATGTAGTTGCATGGTTTCGGGGACTGGGAGCATTCAT[C>T]AAGGTCTAAGTAAAAGTGATGTGAAGATTAAATTACTGGTTAAAAGAAACAACCAGACTC-3'
Protein context (NP_001990.2, residues 2483-2503): DISGTSCIDL[Asp2493Asn]ECSQSPKPCN

ClinVar aggregate classification (germline): Conflicting classifications of pathogenicity. Review status: criteria provided, conflicting classifications (1 of 4 stars). 3 submissions from 3 submitters: Uncertain significance (2); Likely benign (1). Last evaluated 2025-09-21.

Conditions:
Congenital contractural arachnodactyly (CCA). Also called: BEALS SYNDROME; Beals-Hecht syndrome; Arthrogryposis, distal, type 9. Identifiers: Orphanet 115, MedGen C0220668, MONDO:0007363, OMIM 121050.

Allele frequency attached by ClinVar (database versions not stated): gnomAD 0.00003; TOPMed 0.00003; gnomAD exomes 0.00012; ExAC 0.00018.
gnomAD v4.1: 125 of 1,613,666 alleles (0.0077%); highest among the groups gnomAD compares: South Asian, 0.092%; no homozygotes.

Submissions (3):

Labcorp Genetics (formerly Invitae), Labcorp
Classification: Likely benign for Congenital contractural arachnodactyly. Last evaluated: 2025-09-21. Review status: criteria provided, single submitter. Criteria: Invitae Variant Classification Sherloc (09022015). Collection method: clinical testing. Allele origin: germline.

GeneDx
Classification: Uncertain significance. Last evaluated: 2020-02-21. Review status: criteria provided, single submitter. Criteria: GeneDx Variant Classification Process June 2021. Collection method: clinical testing. Allele origin: germline. Affected: yes.
Comment: Reported to be homozygous in an individual with congenital heart disease, neurodevelopmental disorder, and extracardiac features who underwent exome sequencing (Jin et al., 2017); however, several variants in other genes were also identified, including multiple de novo loss of function variants; In silico analysis supports that this missense variant does not alter protein structure/function; Although located in a calcium-binding EGF-like domain of the FBN2 gene, it does not affect a cysteine residue within this domain; cysteine substitutions in the calcium-binding EGF-like domains represent the majority of pathogenic missense changes associated with FBN2-related disorders (Frederic et al., 2009); Reported in ClinVar (ClinVar Variant ID# 429671; Landrum et al., 2016); This variant is associated with the following publications: (PMID: 28991257, 28007035)

ARUP Laboratories, Molecular Genetics and Genomics, ARUP Laboratories
Classification: Uncertain significance. Last evaluated: 2017-06-19. Review status: criteria provided, single submitter. Criteria: ARUP Molecular Germline Variant Investigation Process. Collection method: clinical testing. Allele origin: germline.
Comment: The p.Asp2493Asn variant (rs779483120) has not been reported in the medical literature, gene specific variation databases, nor has it been previously identified by our laboratory. This variant is listed in the Exome Aggregation Consortium Browser with a South Asian population frequency of 0.12 percent (identified on 19 out of 16,502 chromosomes). The aspartic acid at position 2493 is highly conserved, up to Chicken (considering 11 species) (Alamut v.2.8.1) and is located within a conserved EGF-like calcium-binding domain. Computational analyses of the effects of the p.Asp2493Asn variant on protein structure and function provide conflicting results (SIFT: tolerated, MutationTaster: disease causing, PolyPhen-2: probably damaging). Altogether, there is not enough evidence to classify the p.Asp2493Asn variant with certainty.